The following is an entry in ClinVar:

ClinVar aggregate classification (germline): Uncertain significance (1 of 4 stars; one submission).

Conditions:
Cardiomyopathy (CMYO). Also called: Cardiomyopathies. Identifiers: Orphanet 167848, MedGen C0878544, MONDO:0004994, HP:0001638. Inheritance: Various modes of inheritance.

Submission:

Color Diagnostics, LLC DBA Color Health
Classification: Uncertain significance for Cardiomyopathy. Last evaluated: 2021-01-04. Review status: criteria provided, single submitter. Criteria: ACMG Guidelines, 2015. Collection method: clinical testing. Allele origin: germline.
Comment: This variant alters the intron 11 canonical splice donor site of the MYH7 gene. Splice site prediction tools suggest that this variant may disrupt RNA splicing. To our knowledge, functional studies have not been reported for this variant. This variant has not been reported in individuals affected with cardiovascular disorders in the literature. This variant has not been identified in the general population by the Genome Aggregation Database (gnomAD). Clinical significance of loss-of-function MYH7 truncation and splice variants in autosomal dominant cardiovascular disorders is not clearly established. The available evidence is insufficient to determine the role of this variant in disease conclusively. Therefore, this variant is classified as a Variant of Uncertain Significance.

NM_000257.4(MYH7):c.999+1G>A

Gene: MYH7 (myosin heavy chain 7; minus strand). Cytogenetic location: 14q11.2.
Variant type: single nucleotide variant.
Coding change: c.999+1G>A on transcript NM_000257.4 (MANE Select); the canonical splice donor site of the intron after coding-DNA position 999, G replaced by A.
Molecular consequence: splice donor variant.
Genome position (GRCh38, 1-based): chr14:23,430,559, C>T on the plus strand (G>A on the coding strand, the complement: MYH7 is on the minus strand). VCF-style: chr14-23430559-C-T. GRCh37 (hg19) VCF-style: chr14-23899768-C-T.
Other names: c.999+1G>A (NM_001407004.1).
Identifiers: ClinVar variation 1171827 (VCV001171827.2), dbSNP rs112040347, ClinGen allele CA257825307.